The following is an entry in ClinVar:

NM_001098.3(ACO2):c.274C>T (p.Arg92Trp)

Gene: ACO2 (aconitase 2; plus strand). Cytogenetic location: 22q13.2.
Variant type: single nucleotide variant.
Coding change: c.274C>T on transcript NM_001098.3 (MANE Select); coding-DNA position 274, C replaced by T.
Protein change: p.Arg92Trp; replaces arginine 92 with tryptophan.
Molecular consequence: missense variant.
Genome position (GRCh38, 1-based): chr22:41,507,891, C>T. VCF-style: chr22-41507891-C-T. GRCh37 (hg19) VCF-style: chr22-41903895-C-T.
Other names: short protein forms R92W.
Identifiers: ClinVar variation 860861 (VCV000860861.9), dbSNP rs745579534, ClinGen allele CA10257326.

ClinVar aggregate classification (germline): Uncertain significance (1 of 4 stars; one submission).

Allele frequency attached by ClinVar (database versions not stated): gnomAD exomes below 0.00001 and 0.00001; ExAC 0.00001.

Submission:

Labcorp Genetics (formerly Invitae), Labcorp
Classification: Uncertain significance. Last evaluated: 2022-03-10. Review status: criteria provided, single submitter. Criteria: Invitae Variant Classification Sherloc (09022015). Collection method: clinical testing. Allele origin: germline.
Comment: In summary, the available evidence is currently insufficient to determine the role of this variant in disease. Therefore, it has been classified as a Variant of Uncertain Significance. Advanced modeling of protein sequence and biophysical properties (such as structural, functional, and spatial information, amino acid conservation, physicochemical variation, residue mobility, and thermodynamic stability) performed at Invitae indicates that this missense variant is expected to disrupt ACO2 protein function. ClinVar contains an entry for this variant (Variation ID: 860861). This variant has not been reported in the literature in individuals affected with ACO2-related conditions. This variant is present in population databases (rs745579534, gnomAD 0.003%). This sequence change replaces arginine, which is basic and polar, with tryptophan, which is neutral and slightly polar, at codon 92 of the ACO2 protein (p.Arg92Trp).